The following is an entry in ClinVar:

ClinVar aggregate classification (germline): Uncertain significance (1 of 4 stars; one submission).

Submission:

Labcorp Genetics (formerly Invitae), Labcorp
Classification: Uncertain significance. Last evaluated: 2025-01-18. Review status: criteria provided, single submitter. Criteria: Invitae Variant Classification Sherloc (09022015). Collection method: clinical testing. Allele origin: germline.
Comment: This sequence change falls in intron 19 of the ITGAM gene. It does not directly change the encoded amino acid sequence of the ITGAM protein. It affects a nucleotide within the consensus splice site. This variant is not present in population databases (gnomAD no frequency). This variant has not been reported in the literature in individuals affected with ITGAM-related conditions. Variants that disrupt the consensus splice site are a relatively common cause of aberrant splicing (PMID: 17576681, 9536098). Algorithms developed to predict the effect of sequence changes on RNA splicing suggest that this variant may disrupt the consensus splice site. In summary, the available evidence is currently insufficient to determine the role of this variant in disease. Therefore, it has been classified as a Variant of Uncertain Significance.

Literature cited by the submitters: PubMed 17576681; PubMed 9536098.

NM_000632.4(ITGAM):c.2363+5G>A

Gene: ITGAM (integrin subunit alpha M; plus strand). Cytogenetic location: 16p11.2.
Variant type: single nucleotide variant.
Coding change: c.2363+5G>A on transcript NM_000632.4 (MANE Select); 5 bases into the intron after coding-DNA position 2363, G replaced by A.
Molecular consequence: intron variant.
Genome position (GRCh38, 1-based): chr16:31,325,036, G>A. VCF-style: chr16-31325036-G-A. GRCh37 (hg19) VCF-style: chr16-31336357-G-A.
Other names: c.2366+5G>A (NM_001145808.2).
Identifiers: ClinVar variation 3632560 (VCV003632560.2).